The following is an entry in ClinVar:

NM_004991.4(MECOM):c.3650C>T (p.Ser1217Phe)

Gene: MECOM (MDS1 and EVI1 complex locus; minus strand). Cytogenetic location: 3q26.2.
Variant type: single nucleotide variant.
Coding change: c.3650C>T on transcript NM_004991.4 (MANE Select); coding-DNA position 3650, C replaced by T.
Protein change: p.Ser1217Phe; replaces serine 1217 with phenylalanine.
Molecular consequence: missense variant.
Genome position (GRCh38, 1-based): chr3:169,084,979, G>A on the plus strand (C>T on the coding strand, the complement: MECOM is on the minus strand). VCF-style: chr3-169084979-G-A. GRCh37 (hg19) VCF-style: chr3-168802767-G-A.
Other names: c.3281C>T, p.Ser1094Phe (NM_001105077.4); c.3086C>T, p.Ser1029Phe (NM_001105078.4, NM_001205194.2, NM_001366469.2 and 1 more transcripts); c.3062C>T, p.Ser1021Phe (NM_001163999.2, NM_001366470.2); c.3059C>T, p.Ser1020Phe (NM_001164000.2, NM_001366471.2, NM_001366472.2); c.3623C>T, p.Ser1208Phe (NM_001366466.2); c.3089C>T, p.Ser1030Phe (NM_001366467.2, NM_001366468.2); c.2651C>T, p.Ser884Phe (NM_001366473.2); c.2087C>T, p.Ser696Phe (NM_001366474.2); short protein forms S1020F, S1030F, S1094F, S1029F, S1208F, S1217F, S696F, S884F.
Identifiers: ClinVar variation 4053242 (VCV004053242.1).

ClinVar aggregate classification (germline): Uncertain significance (1 of 4 stars; one submission).

Conditions:
Inborn genetic diseases. Identifiers: MedGen C0950123, MeSH D030342.

gnomAD v4.1: 1 of 1,614,024 alleles (0.000062%); highest among the groups gnomAD compares: African/African-American, 0.0013%; no homozygotes.

Submission:

Ambry Genetics
Classification: Uncertain significance for Inborn genetic diseases. Last evaluated: 2025-05-09. Review status: criteria provided, single submitter. Criteria: Ambry Variant Classification Scheme 2023. Collection method: clinical testing. Allele origin: germline.
Comment: The p.S1217F variant (also known as c.3650C>T), located in coding exon 17 of the MECOM gene, results from a C to T substitution at nucleotide position 3650. The serine at codon 1217 is replaced by phenylalanine, an amino acid with highly dissimilar properties. This amino acid position is conserved. In addition, this alteration is predicted to be tolerated by in silico analysis. Based on the available evidence, the clinical significance of this variant remains unclear.